The following is an entry in ClinVar:

NM_153700.2(STRC):c.4195G>T (p.Glu1399Ter)

Gene: STRC (stereocilin; minus strand). Cytogenetic location: 15q15.3.
Variant type: single nucleotide variant.
Coding change: c.4195G>T on transcript NM_153700.2 (MANE Select); coding-DNA position 4195, G replaced by T.
Protein change: p.Glu1399Ter; replaces glutamic acid 1399 with a stop codon.
Molecular consequence: nonsense.
Genome position (GRCh38, 1-based): chr15:43,604,384, C>A on the plus strand (G>T on the coding strand, the complement: STRC is on the minus strand). VCF-style: chr15-43604384-C-A. GRCh37 (hg19) VCF-style: chr15-43896582-C-A.
Other names: short protein forms E1399*.
Identifiers: ClinVar variation 165310 (VCV000165310.9), dbSNP rs371513959, ClinGen allele CA273234.
Genomic context (GRCh38, chr15:43,604,384, plus strand): 5'-TATGCATTTACTCCCTTCCCTTCTTCCTTCATCTCACCCTGGGGATCAAGGAAATTGCCT[C>A]AGTAGACAGAGTGAATACTAGGCGTCCAGCTTGCTCTACTTCATCCTGGCTCCACAACTC-3'

ClinVar aggregate classification (germline): Pathogenic. Review status: criteria provided, multiple submitters, no conflicts (2 of 4 stars). 3 submissions from 3 submitters: Pathogenic (2). 1 of the submissions does not count toward it. Last evaluated 2026-03-20.

Conditions:
Rare genetic deafness. Identifiers: Orphanet 96210, MedGen C5680250.
STRC-related disorder. Also called: STRC-related condition.

Allele frequency attached by ClinVar (database versions not stated): gnomAD exomes 0.00002; ExAC 0.00003; TOPMed 0.00005; gnomAD 0.00006; ESP Exome Variant Server 0.00008.

Submissions (3):

GeneDx
Classification: Pathogenic. Last evaluated: 2026-03-20. Review status: criteria provided, single submitter. Criteria: GeneDx Variant Classification Process June 2021. Collection method: clinical testing. Allele origin: germline.
Comment: Nonsense variant predicted to result in protein truncation or nonsense mediated decay in a gene for which loss of function is a known mechanism of disease; This variant is associated with the following publications: (PMID: 25157971)

Laboratory for Molecular Medicine, Mass General Brigham Personalized Medicine
Classification: Pathogenic for Rare genetic deafness. Last evaluated: 2021-07-14. Review status: criteria provided, single submitter. Criteria: ACMG Guidelines, 2015. Collection method: clinical testing. Allele origin: germline. Inheritance: Autosomal recessive inheritance.
Comment: The p.Glu1399X variant has been seen in 2 individuals with hearing loss by our laboratory who harbored the p.Glu1399X variant in trans with a deletion of the STRC gene (Mandelker 2014, LMM data). This variant has also been identified in 0.008% (7/92048) European and 0.016% (1/6098) Other chromosomes by the Genome Aggregation Database (gnomAD; dnSNP rs371513959). Although this variant has been seen in the general population, its frequency is low enough to be consistent with a recessive carrier frequency. This nonsense variant leads to a premature termination codon at position 1399, which is predicted to lead to a truncated or absent protein. Loss of function of the STRC gene is an established mechanism in autosomal recessive hearing loss. In summary, the p.Glu1399X variant meets criteria to be classified as pathogenic for autosomal recessive hearing loss. ACMG/AMP Criteria applied: PVS1, PM3_Strong, PM2_Supporting.

PreventionGenetics, part of Exact Sciences
Classification: Pathogenic for STRC-related condition. Last evaluated: 2024-05-13. Review status: no assertion criteria provided. Collection method: clinical testing. Allele origin: germline. Not counted in ClinVar's aggregate classification.
Comment: The STRC c.4195G>T variant is predicted to result in premature protein termination (p.Glu1399*). This variant was reported in an individual with non-syndromic hearing loss in trans to a full gene deletion, and was confirmed using an assay that is specific to STRC while excluding the pseudogene (Mandelker et al. 2014. PubMed ID: 25157971). This variant is reported in 0.0076% of alleles in individuals of European (Non-Finnish) descent in gnomAD. Nonsense variants in STRC are expected to be pathogenic. This variant is interpreted as pathogenic.

Literature cited by the submitters: PubMed 25157971 (cited by Laboratory for Molecular Medicine, Mass General Brigham Personalized Medicine).